The following is an entry in ClinVar:

NM_001851.6(COL9A1):c.1006T>C (p.Ser336Pro)

Gene: COL9A1 (collagen type IX alpha 1 chain; minus strand). Cytogenetic location: 6q13.
Variant type: single nucleotide variant.
Coding change: c.1006T>C on transcript NM_001851.6 (MANE Select); coding-DNA position 1006, T replaced by C.
Protein change: p.Ser336Pro; replaces serine 336 with proline.
Molecular consequence: missense variant. On other transcripts: non-coding transcript variant (1).
Genome position (GRCh38, 1-based): chr6:70,274,742, A>G on the plus strand (T>C on the coding strand, the complement: COL9A1 is on the minus strand). VCF-style: chr6-70274742-A-G. GRCh37 (hg19) VCF-style: chr6-70984445-A-G.
Other names: c.277T>C, p.Ser93Pro (NM_001377289.1, NM_001377290.1, NM_078485.4); short protein forms S336P, S93P.
Identifiers: ClinVar variation 1714524 (VCV001714524.6), dbSNP rs2483425719, ClinGen allele CA364664399.
Genomic context (GRCh38, chr6:70,274,742, plus strand): 5'-TTTCGTACTAGCAATTAATGCCAGATGGCTAACTTACTTTTTGTCCCTTTGACCCAATGG[A>G]GCCAGGGGATCCATCAGGTCCTGTTAATCCCTAATAGAGCAAGACAATGATGTTAGAACT-3'
Protein context (NP_001842.3, residues 326-346): GLTGPDGSPG[Ser336Pro]IGSKGQKGEP

ClinVar aggregate classification (germline): Uncertain significance (1 of 4 stars; one submission).

Submission:

Labcorp Genetics (formerly Invitae), Labcorp
Classification: Uncertain significance. Last evaluated: 2025-01-06. Review status: criteria provided, single submitter. Criteria: Invitae Variant Classification Sherloc (09022015). Collection method: clinical testing. Allele origin: germline.
Comment: This sequence change replaces serine, which is neutral and polar, with proline, which is neutral and non-polar, at codon 336 of the COL9A1 protein (p.Ser336Pro). This variant is not present in population databases (gnomAD no frequency). This variant has not been reported in the literature in individuals affected with COL9A1-related conditions. ClinVar contains an entry for this variant (Variation ID: 1714524). Invitae Evidence Modeling of protein sequence and biophysical properties (such as structural, functional, and spatial information, amino acid conservation, physicochemical variation, residue mobility, and thermodynamic stability) indicates that this missense variant is not expected to disrupt COL9A1 protein function with a negative predictive value of 95%. In summary, the available evidence is currently insufficient to determine the role of this variant in disease. Therefore, it has been classified as a Variant of Uncertain Significance.